The following is an entry in ClinVar:

ClinVar aggregate classification (germline): Uncertain significance (1 of 4 stars; one submission).

Submission:

GeneDx
Classification: Uncertain significance. Last evaluated: 2019-12-10. Review status: criteria provided, single submitter. Criteria: GeneDx Variant Classification Process June 2021. Collection method: clinical testing. Allele origin: germline. Affected: yes.
Comment: Not observed in large population cohorts (Lek et al., 2016); In silico analysis, which includes protein predictors and evolutionary conservation, supports a deleterious effect; Has not been previously published as pathogenic or benign to our knowledge

NM_004667.6(HERC2):c.13702A>G (p.Thr4568Ala)

Gene: HERC2 (HECT and RLD domain containing E3 ubiquitin protein ligase 2; minus strand). Cytogenetic location: 15q13.1.
Variant type: single nucleotide variant.
Coding change: c.13702A>G on transcript NM_004667.6 (MANE Select); coding-DNA position 13702, A replaced by G.
Protein change: p.Thr4568Ala; replaces threonine 4568 with alanine.
Molecular consequence: missense variant.
Genome position (GRCh38, 1-based): chr15:28,115,449, T>C on the plus strand (A>G on the coding strand, the complement: HERC2 is on the minus strand). VCF-style: chr15-28115449-T-C. GRCh37 (hg19) VCF-style: chr15-28360595-T-C.
Other names: short protein forms T4568A.
Identifiers: ClinVar variation 1317517 (VCV001317517.2), dbSNP rs2142047130, ClinGen allele CA391370111.